The following is an entry in ClinVar:

NM_001145026.2(PTPRQ):c.4868A>T (p.Tyr1623Phe)

Gene: PTPRQ (protein tyrosine phosphatase receptor type Q; plus strand). Cytogenetic location: 12q21.31.
Variant type: single nucleotide variant.
Coding change: c.4868A>T on transcript NM_001145026.2 (MANE Select); coding-DNA position 4868, A replaced by T.
Protein change: p.Tyr1623Phe; replaces tyrosine 1623 with phenylalanine.
Molecular consequence: missense variant.
Genome position (GRCh38, 1-based): chr12:80,610,575, A>T. VCF-style: chr12-80610575-A-T. GRCh37 (hg19) VCF-style: chr12-81004354-A-T.
Other names: short protein forms Y1623F.
Identifiers: ClinVar variation 2442575 (VCV002442575.3), dbSNP rs61729261, ClinGen allele CA6702770.
Genomic context (GRCh38, chr12:80,610,575, plus strand): 5'-AAATATTCACAAGGTATTCTGTAGTGATCACTGCATTTACTGGGAACATTAGTGCTGCAT[A>T]TGTAGAAGGGAAGTCAAGTGCTGAAATGATTGTTACTACTTTAGAATCAGGTAAGGAGAA-3'
Protein context (NP_001138498.1, residues 1613-1633): TAFTGNISAA[Tyr1623Phe]VEGKSSAEMI

ClinVar aggregate classification (germline): Uncertain significance (1 of 4 stars; one submission).

Allele frequency attached by ClinVar (database versions not stated): gnomAD exomes 0.00003; ExAC 0.00010; gnomAD 0.00037; TOPMed 0.00037; 1000 Genomes Project 0.00040; 1000 Genomes Project 30x 0.00062.
gnomAD v4.1: 101 of 1,543,780 alleles (0.0065%); highest among the groups gnomAD compares: African/African-American, 0.11%; no homozygotes.

Submission:

GeneDx
Classification: Uncertain significance. Last evaluated: 2025-09-26. Review status: criteria provided, single submitter. Criteria: GeneDx Variant Classification Process June 2021. Collection method: clinical testing. Allele origin: germline. Affected: yes.
Comment: In silico analysis suggests that this missense variant does not alter protein structure/function; Has not been previously published as pathogenic or benign to our knowledge